The following is an entry in ClinVar:

NM_138477.4(CDAN1):c.2596G>A (p.Val866Ile)

Gene: CDAN1 (codanin 1; minus strand). Cytogenetic location: 15q15.2.
Variant type: single nucleotide variant.
Coding change: c.2596G>A on transcript NM_138477.4 (MANE Select); coding-DNA position 2596, G replaced by A.
Protein change: p.Val866Ile; replaces valine 866 with isoleucine.
Molecular consequence: missense variant.
Genome position (GRCh38, 1-based): chr15:42,729,072, C>T on the plus strand (G>A on the coding strand, the complement: CDAN1 is on the minus strand). VCF-style: chr15-42729072-C-T. GRCh37 (hg19) VCF-style: chr15-43021270-C-T.
Other names: c.2596G>A (NM_138477.2); short protein forms V866I.
Identifiers: ClinVar variation 2156588 (VCV002156588.4), dbSNP rs375271914, ClinGen allele CA7515557.

ClinVar aggregate classification (germline): Uncertain significance. Review status: criteria provided, multiple submitters, no conflicts (2 of 4 stars). 2 submissions from 2 submitters: Uncertain significance (2). Last evaluated 2025-01-22.

Conditions:
Inborn genetic diseases. Identifiers: MedGen C0950123, MeSH D030342.

Allele frequency attached by ClinVar (database versions not stated): gnomAD 0.00004; ESP Exome Variant Server 0.00008; ExAC 0.00016.
gnomAD v4.1: 80 of 1,614,098 alleles (0.005%); highest among the groups gnomAD compares: South Asian, 0.059%; no homozygotes.

Submissions (2):

Ambry Genetics
Classification: Uncertain significance for Inborn genetic diseases. Last evaluated: 2025-01-22. Review status: criteria provided, single submitter. Criteria: Ambry Variant Classification Scheme 2023. Collection method: clinical testing. Allele origin: germline.

Labcorp Genetics (formerly Invitae), Labcorp
Classification: Uncertain significance. Last evaluated: 2024-02-20. Review status: criteria provided, single submitter. Criteria: Invitae Variant Classification Sherloc (09022015). Collection method: clinical testing. Allele origin: germline.
Comment: This sequence change replaces valine, which is neutral and non-polar, with isoleucine, which is neutral and non-polar, at codon 866 of the CDAN1 protein (p.Val866Ile). This variant is present in population databases (rs375271914, gnomAD 0.08%). This variant has not been reported in the literature in individuals affected with CDAN1-related conditions. ClinVar contains an entry for this variant (Variation ID: 2156588). An algorithm developed to predict the effect of missense changes on protein structure and function (PolyPhen-2) suggests that this variant is likely to be tolerated. In summary, the available evidence is currently insufficient to determine the role of this variant in disease. Therefore, it has been classified as a Variant of Uncertain Significance.